The following is an entry in ClinVar:

NM_003673.4(TCAP):c.171C>G (p.Cys57Trp)

Gene: TCAP (titin-cap; plus strand). Cytogenetic location: 17q12.
Variant type: single nucleotide variant.
Coding change: c.171C>G on transcript NM_003673.4 (MANE Select); coding-DNA position 171, C replaced by G.
Protein change: p.Cys57Trp; replaces cysteine 57 with tryptophan.
Molecular consequence: missense variant.
Genome position (GRCh38, 1-based): chr17:39,665,776, C>G. VCF-style: chr17-39665776-C-G. GRCh37 (hg19) VCF-style: chr17-37822029-C-G.
Other names: short protein forms C57W.
Identifiers: ClinVar variation 568778 (VCV000568778.13), dbSNP rs369447207, ClinGen allele CA8532869.
Genomic context (GRCh38, chr17:39,665,776, plus strand): 5'-CTGCTCCCTGCATGAGGAGGACACCCAGAGACATGAGACCTACCACCAGCAGGGGCAGTG[C>G]CAGGTGCTGGTGCAGCGCTCGCCCTGGCTGATGATGCGGATGGGCATCCTCGGCCGTGGG-3'
Protein context (NP_003664.1, residues 47-67): RHETYHQQGQ[Cys57Trp]QVLVQRSPWL

ClinVar aggregate classification (germline): Uncertain significance. Review status: criteria provided, multiple submitters, no conflicts (2 of 4 stars). 4 submissions from 4 submitters: Uncertain significance (4). Last evaluated 2025-12-04.

Conditions:
TCAP-related disorder. Also called: TCAP-related condition.
Hypertrophic cardiomyopathy 25 (CMH25). Also called: CARDIOMYOPATHY, FAMILIAL HYPERTROPHIC, 25. Identifiers: MedGen C4225408, MONDO:0011843, OMIM 607487.
Primary familial hypertrophic cardiomyopathy (HCM). Identifiers: Orphanet 99739, MedGen C0949658, MeSH D024741, MONDO:0024573. Inheritance: Various modes of inheritance.
Cardiovascular phenotype. Identifiers: MedGen CN230736.

Allele frequency attached by ClinVar (database versions not stated): gnomAD 0.00001; gnomAD exomes 0.00002; TOPMed 0.00002; ExAC 0.00003; ESP Exome Variant Server 0.00008.

Submissions (4):

PreventionGenetics, part of Exact Sciences
Classification: Uncertain significance for TCAP-related condition. Last evaluated: 2025-12-04. Review status: criteria provided, single submitter. Criteria: ACMG Guidelines, 2015. Collection method: clinical testing. Allele origin: germline.
Comment: The TCAP c.171C>G variant is predicted to result in the amino acid substitution p.Cys57Trp. This variant has been reported in an individual with hypertrophic cardiomyopathy and in a study of individuals with natural and undetermined sudden death (Toste et al. 2020. PubMed ID: 32565061; Sanchez et al. 2016. PubMed ID: 27930701). This variant is reported in 0.012% of alleles in individuals of Latino descent in gnomAD. At this time, the clinical significance of this variant is uncertain due to the absence of conclusive functional and genetic evidence.

Labcorp Genetics (formerly Invitae), Labcorp
Classification: Uncertain significance for Hypertrophic cardiomyopathy 25; Primary familial hypertrophic cardiomyopathy. Last evaluated: 2025-11-24. Review status: criteria provided, single submitter. Criteria: Invitae Variant Classification Sherloc (09022015). Collection method: clinical testing. Allele origin: germline.
Comment: This sequence change replaces cysteine, which is neutral and slightly polar, with tryptophan, which is neutral and slightly polar, at codon 57 of the TCAP protein (p.Cys57Trp). This variant is present in population databases (rs369447207, gnomAD 0.01%). This missense change has been observed in individual(s) with TCAP-related conditions (PMID: 32565061, 39678382). ClinVar contains an entry for this variant (Variation ID: 568778). An algorithm developed to predict the effect of missense changes on protein structure and function (PolyPhen-2) suggests that this variant is likely to be disruptive. In summary, the available evidence is currently insufficient to determine the role of this variant in disease. Therefore, it has been classified as a Variant of Uncertain Significance.

Ambry Genetics
Classification: Uncertain significance for Cardiovascular phenotype. Last evaluated: 2025-10-26. Review status: criteria provided, single submitter. Criteria: Ambry Variant Classification Scheme 2023. Collection method: clinical testing. Allele origin: germline.
Comment: The p.C57W variant (also known as c.171C>G), located in coding exon 2 of the TCAP gene, results from a C to G substitution at nucleotide position 171. The cysteine at codon 57 is replaced by tryptophan, an amino acid with highly dissimilar properties. This variant has been detected in a sudden unexplained death case and in two siblings with hypertrophic cardiomyopathy (Sanchez O et al. PLoS One, 2016 Dec;11:e0167358; Toste A et al. Rev Port Cardiol (Engl Ed), 2020 Jun;39:317-327). This amino acid position is not well conserved in available vertebrate species. In addition, the in silico prediction for this alteration is inconclusive. Since supporting evidence is limited at this time, the clinical significance of this alteration remains unclear.

GeneDx
Classification: Uncertain significance. Last evaluated: 2024-01-10. Review status: criteria provided, single submitter. Criteria: GeneDx Variant Classification Process June 2021. Collection method: clinical testing. Allele origin: germline. Affected: yes.
Comment: Identified in patients with HCM or sudden cardiac death in published literature (PMID: 27930701, 32565061); Missense variants in this gene are a common cause of disease and they are underrepresented in the general population; In silico analysis supports that this missense variant has a deleterious effect on protein structure/function; This variant is associated with the following publications: (PMID: 16490376, 37752589, 32565061, 27930701)

Literature cited by the submitters: PubMed 32565061 (cited by Labcorp Genetics (formerly Invitae), Labcorp and Ambry Genetics); PubMed 39678382 (cited by Labcorp Genetics (formerly Invitae), Labcorp); PubMed 27930701 (cited by Ambry Genetics).